The following is an entry in ClinVar:

ClinVar aggregate classification (germline): Conflicting classifications of pathogenicity. Review status: criteria provided, conflicting classifications (1 of 4 stars). 3 submissions from 3 submitters: Uncertain significance (1); Likely benign (1). 1 of the submissions does not count toward it. Last evaluated 2025-08-25.

Conditions:
NOTCH2-related disorder. Also called: NOTCH2-related condition.
Hajdu-Cheney syndrome (HJCYS). Also called: ACROOSTEOLYSIS WITH OSTEOPOROSIS AND CHANGES IN SKULL AND MANDIBLE; SERPENTINE FIBULA-POLYCYSTIC KIDNEY SYNDROME; Acroosteolysis dominant type. Identifiers: Orphanet 955, MedGen C0917715, MONDO:0007057, OMIM 102500.
Alagille syndrome due to a NOTCH2 point mutation. Also called: Alagille syndrome 2. Identifiers: Orphanet 261629, Orphanet 52, MedGen C1857761, MONDO:0012439, OMIM 610205.

Allele frequency attached by ClinVar (database versions not stated): gnomAD exomes below 0.00001 and 0.00004; gnomAD 0.00002; TOPMed 0.00003.
gnomAD v4.1: 56 of 1,614,072 alleles (0.0035%); highest among the groups gnomAD compares: Non-Finnish European, 0.0045%; no homozygotes.

Submissions (3):

Labcorp Genetics (formerly Invitae), Labcorp
Classification: Uncertain significance for Hajdu-Cheney syndrome. Last evaluated: 2025-08-25. Review status: criteria provided, single submitter. Criteria: Invitae Variant Classification Sherloc (09022015). Collection method: clinical testing. Allele origin: germline.
Comment: This sequence change replaces serine, which is neutral and polar, with phenylalanine, which is neutral and non-polar, at codon 879 of the NOTCH2 protein (p.Ser879Phe). This variant is present in population databases (no rsID available, gnomAD 0.0009%). This variant has not been reported in the literature in individuals affected with NOTCH2-related conditions. ClinVar contains an entry for this variant (Variation ID: 1421156). Invitae Evidence Modeling of protein sequence and biophysical properties (such as structural, functional, and spatial information, amino acid conservation, physicochemical variation, residue mobility, and thermodynamic stability) indicates that this missense variant is not expected to disrupt NOTCH2 protein function with a negative predictive value of 80%. In summary, the available evidence is currently insufficient to determine the role of this variant in disease. Therefore, it has been classified as a Variant of Uncertain Significance.

Fulgent Genetics
Classification: Likely benign for Hajdu-Cheney syndrome; Alagille syndrome due to a NOTCH2 point mutation. Last evaluated: 2024-03-15. Review status: criteria provided, single submitter. Criteria: ACMG Guidelines, 2015. Collection method: clinical testing. Allele origin: germline.

PreventionGenetics, part of Exact Sciences
Classification: Uncertain significance for NOTCH2-related condition. Last evaluated: 2024-07-31. Review status: no assertion criteria provided. Collection method: clinical testing. Allele origin: germline. Not counted in ClinVar's aggregate classification.
Comment: The NOTCH2 c.2636C>T variant is predicted to result in the amino acid substitution p.Ser879Phe. To our knowledge, this variant has not been reported in the literature. This variant is reported in 0.00088% of alleles in individuals of European (Non-Finnish) descent in gnomAD. At this time, the clinical significance of this variant is uncertain due to the absence of conclusive functional and genetic evidence.

NM_024408.4(NOTCH2):c.2636C>T (p.Ser879Phe)

Gene: NOTCH2 (notch receptor 2; minus strand). Cytogenetic location: 1p12.
Variant type: single nucleotide variant.
Coding change: c.2636C>T on transcript NM_024408.4 (MANE Select); coding-DNA position 2636, C replaced by T.
Protein change: p.Ser879Phe; replaces serine 879 with phenylalanine.
Molecular consequence: missense variant.
Genome position (GRCh38, 1-based): chr1:119,948,530, G>A on the plus strand (C>T on the coding strand, the complement: NOTCH2 is on the minus strand). VCF-style: chr1-119948530-G-A. GRCh37 (hg19) VCF-style: chr1-120491153-G-A.
Other names: c.2636C>T (NM_024408.3); c.2636C>T, p.Ser879Phe (NM_001200001.2); short protein forms S879F.
Identifiers: ClinVar variation 1421156 (VCV001421156.9), dbSNP rs1004494435, ClinGen allele CA30288057.